The following is an entry in ClinVar:

NM_006659.4(TUBGCP2):c.761T>G (p.Leu254Arg)

Genes: TUBGCP2 (tubulin gamma complex component 2; minus strand), LOC126861106 (P300/CBP strongly-dependent group 1 enhancer GRCh37_chr10:135106330-135107529; plus strand). Cytogenetic location: 10q26.3.
Variant type: single nucleotide variant.
Coding change: c.761T>G on transcript NM_006659.4 (MANE Select); coding-DNA position 761, T replaced by G.
Protein change: p.Leu254Arg; replaces leucine 254 with arginine.
Molecular consequence: missense variant. On other transcripts: non-coding transcript variant (1).
Genome position (GRCh38, 1-based): chr10:133,293,625, A>C on the plus strand (T>G on the coding strand, the complement: TUBGCP2 is on the minus strand). VCF-style: chr10-133293625-A-C. GRCh37 (hg19) VCF-style: chr10-135107129-A-C.
Other names: c.845T>G, p.Leu282Arg (NM_001256617.2); c.371T>G, p.Leu124Arg (NM_001256618.2); short protein forms L124R, L254R, L282R.
Identifiers: ClinVar variation 3371893 (VCV003371893.1).

ClinVar aggregate classification (germline): Uncertain significance (1 of 4 stars; one submission).

gnomAD v4.1: 24 of 1,570,984 alleles (0.0015%); highest among the groups gnomAD compares: Admixed American, 0.045%; no homozygotes.

Submission:

GeneDx
Classification: Uncertain significance. Last evaluated: 2024-04-02. Review status: criteria provided, single submitter. Criteria: GeneDx Variant Classification Process June 2021. Collection method: clinical testing. Allele origin: germline. Affected: yes.
Comment: In silico analysis supports that this missense variant does not alter protein structure/function; Has not been previously published as pathogenic or benign to our knowledge